The following is an entry in ClinVar:

NM_001160372.4(TRAPPC9):c.181T>C (p.Tyr61His)

Gene: TRAPPC9 (trafficking protein particle complex subunit 9; minus strand). Cytogenetic location: 8q24.3.
Variant type: single nucleotide variant.
Coding change: c.181T>C on transcript NM_001160372.4 (MANE Select); coding-DNA position 181, T replaced by C.
Protein change: p.Tyr61His; replaces tyrosine 61 with histidine.
Molecular consequence: missense variant. On other transcripts: non-coding transcript variant (1).
Genome position (GRCh38, 1-based): chr8:140,451,193, A>G on the plus strand (T>C on the coding strand, the complement: TRAPPC9 is on the minus strand). VCF-style: chr8-140451193-A-G. GRCh37 (hg19) VCF-style: chr8-141461292-A-G.
Other names: c.181T>C, p.Tyr61His (NM_001321646.2, NM_001374682.1, NM_001374683.1 and 2 more transcripts); short protein forms Y61H.
Identifiers: ClinVar variation 4879755 (VCV004879755.1).

ClinVar aggregate classification (germline): Uncertain significance (1 of 4 stars; one submission).

Conditions:
Intellectual developmental disorder, autosomal recessive 13. Also called: Intellectual disability, autosomal recessive 13. Identifiers: Orphanet 88616, MedGen C2750791, MONDO:0013173, OMIM 613192.

gnomAD v4.1: 4 of 1,614,090 alleles (0.00025%); highest among the groups gnomAD compares: Non-Finnish European, 0.00034%; no homozygotes.

Submission:

Victorian Clinical Genetics Services, Murdoch Childrens Research Institute
Classification: Uncertain significance for Intellectual developmental disorder, autosomal recessive 13. Last evaluated: 2026-07-12. Review status: criteria provided, single submitter. Criteria: ACMG Guidelines, 2015. Collection method: clinical testing. Allele origin: germline. Affected: yes.
Comment: This variant is classified as VUS-3B. Evidence in support of pathogenic classification: This variant is present in gnomAD <0.01 for a recessive condition (v4: 4 heterozygote(s), 0 homozygote(s)). Additional information: This variant is predicted to result in a missense amino acid change from Tyr to His; This variant is heterozygous; This gene is associated with autosomal recessive disease; Alternative amino acid change(s) at the same position are present in gnomAD (highest allele count: v4: 3 heterozygote(s), 0 homozygote(s)); This variant has no previous evidence of pathogenicity; No published evidence of segregation with disease has been identified for this variant; No published functional evidence has been identified for this variant; No comparable variants have previous evidence for pathogenicity; Variant is not located in an established domain, motif, hotspot or informative constraint region; Missense variant with inconclusive in silico prediction(s) and/or uninformative conservation; Loss of function is a known mechanism of disease in this gene and is associated with autosomal recessive intellectual developmental disorder 13 (MIM#613192); Inheritance information for this variant is not currently available in this individual.